The following is an entry in ClinVar:

NM_000476.3(AK1):c.102C>T (p.Tyr34=)

Genes: AK1 (adenylate kinase 1; minus strand), ST6GALNAC4-ST6GALNAC6-AK1 (ST6GALNAC4-ST6GALNAC6-AK1 readthrough; minus strand). Cytogenetic location: 9q34.11.
Variant type: single nucleotide variant.
Coding change: c.102C>T on transcript NM_000476.3 (MANE Select); coding-DNA position 102, C replaced by T.
Protein change: p.Tyr34=; no amino-acid change (tyrosine 34 retained).
Molecular consequence: synonymous variant.
Genome position (GRCh38, 1-based): chr9:127,872,795, G>A on the plus strand (C>T on the coding strand, the complement: AK1 is on the minus strand). VCF-style: chr9-127872795-G-A. GRCh37 (hg19) VCF-style: chr9-130635074-G-A.
Other names: p.Tyr34=; c.102C>T, p.Tyr34= (NM_001318121.1); c.150C>T, p.Tyr50= (NM_001318122.2).
Identifiers: ClinVar variation 731449 (VCV000731449.22), dbSNP rs61741075, ClinGen allele CA5253452.

ClinVar aggregate classification (germline): Benign/Likely benign. Review status: criteria provided, multiple submitters, no conflicts (2 of 4 stars). 5 submissions from 5 submitters: Benign (2); Likely benign (3). Last evaluated 2026-01-27.

Conditions:
AK1-related condition.
Hemolytic anemia due to adenylate kinase deficiency (CNSHA3). Also called: ANEMIA, CONGENITAL, NONSPHEROCYTIC HEMOLYTIC, 3. Identifiers: Orphanet 86817, MedGen C2675459, MONDO:0012967, OMIM 612631.

Allele frequency attached by ClinVar (database versions not stated): gnomAD exomes 0.00069; gnomAD 0.00779 and 0.00832; TOPMed 0.00831; ESP Exome Variant Server 0.00838; 1000 Genomes Project 0.00998; 1000 Genomes Project 30x 0.01124.
gnomAD v4.1: 2,213 of 1,613,232 alleles (0.14%); highest among the groups gnomAD compares: African/African-American, 2.6%; 21 homozygotes.

Submissions (5):

Labcorp Genetics (formerly Invitae), Labcorp
Classification: Likely benign. Last evaluated: 2026-01-27. Review status: criteria provided, single submitter. Criteria: Invitae Variant Classification Sherloc (09022015). Collection method: clinical testing. Allele origin: germline.

Mayo Clinic Laboratories, Mayo Clinic
Classification: Likely benign. Last evaluated: 2025-11-04. Review status: criteria provided, single submitter. Criteria: ACMG Guidelines, 2015. Collection method: clinical testing. Allele origin: germline. Observed: 22 variant alleles.
Comment: BS1, BP4

ARUP Laboratories, Molecular Genetics and Genomics, ARUP Laboratories
Classification: Benign for Hemolytic anemia due to adenylate kinase deficiency. Last evaluated: 2025-07-28. Review status: criteria provided, single submitter. Criteria: ARUP Molecular Germline Variant Investigation Process 2024. Collection method: clinical testing. Allele origin: germline.

PreventionGenetics, part of Exact Sciences
Classification: Benign for AK1-related condition. Last evaluated: 2025-02-05. Review status: criteria provided, single submitter. Criteria: ACMG Guidelines, 2015. Collection method: clinical testing. Allele origin: germline.
Comment: This variant is classified as benign based on ACMG/AMP sequence variant interpretation guidelines (Richards et al. 2015 PMID: 25741868, with internal and published modifications).

Breakthrough Genomics
Classification: Likely benign. Review status: criteria provided, single submitter. Criteria: ACMG Guidelines, 2015. Collection method: not provided. Allele origin: germline. Inheritance: Autosomal recessive inheritance. Affected: yes.